The following is an entry in ClinVar:

ClinVar aggregate classification (germline): Likely benign (0 of 4 stars; one submission).

Conditions:
TPM2-related disorder. Also called: TPM2-related condition; TPM2-related disorders.

Allele frequency attached by ClinVar (database versions not stated): gnomAD exomes below 0.00001; TOPMed 0.00001.
gnomAD v4.1: 3 of 1,614,042 alleles (0.00019%); highest among the groups gnomAD compares: Non-Finnish European, 0.00017%; no homozygotes.

Submission:

PreventionGenetics, part of Exact Sciences
Classification: Likely benign for TPM2-related condition. Last evaluated: 2024-01-12. Review status: no assertion criteria provided. Collection method: clinical testing. Allele origin: germline.
Comment: This variant is classified as likely benign based on ACMG/AMP sequence variant interpretation guidelines (Richards et al. 2015 PMID: 25741868, with internal and published modifications).

NM_003289.4(TPM2):c.563+175C>T

Gene: TPM2 (tropomyosin 2; minus strand). Cytogenetic location: 9p13.3.
Variant type: single nucleotide variant.
Coding change: c.563+175C>T on transcript NM_003289.4 (MANE Select); 175 bases into the intron after coding-DNA position 563, C replaced by T.
Molecular consequence: intron variant. On other transcripts: synonymous variant (2).
Genome position (GRCh38, 1-based): chr9:35,685,094, G>A on the plus strand (C>T on the coding strand, the complement: TPM2 is on the minus strand). VCF-style: chr9-35685094-G-A. GRCh37 (hg19) VCF-style: chr9-35685091-G-A.
Other names: c.609C>T, p.Ala203= (NM_001301227.2, NM_213674.1); c.563+175C>T (NM_001301226.2).
Identifiers: ClinVar variation 3029637 (VCV003029637.2), dbSNP rs1824815398, ClinGen allele CA464470344.